The following is an entry in ClinVar:

ClinVar aggregate classification (germline): Benign. Review status: criteria provided, multiple submitters, no conflicts (2 of 4 stars). 3 submissions from 3 submitters: Benign (2). 1 of the submissions does not count toward it. Last evaluated 2026-01-29.

Conditions:
SUN1-related disorder. Also called: SUN1-related condition.
Emery-Dreifuss muscular dystrophy (EDMD). Also called: Scapuloperoneal syndrome, X-linked (formerly); Humeroperoneal neuromuscular disease, (formerly). Identifiers: Orphanet 261, MedGen C0410189, MONDO:0016830.

Allele frequency attached by ClinVar (database versions not stated): TOPMed 0.00491; gnomAD 0.00515 and 0.00571; ESP Exome Variant Server 0.00548; 1000 Genomes Project 0.00639; 1000 Genomes Project 30x 0.00687; gnomAD exomes 0.00718 and 0.00813; ExAC 0.01711.

Submissions (3):

Labcorp Genetics (formerly Invitae), Labcorp
Classification: Benign for Emery-Dreifuss muscular dystrophy. Last evaluated: 2026-01-29. Review status: criteria provided, single submitter. Criteria: Invitae Variant Classification Sherloc (09022015). Collection method: clinical testing. Allele origin: germline.

Mayo Clinic Laboratories, Mayo Clinic
Classification: Benign. Last evaluated: 2023-12-08. Review status: criteria provided, single submitter. Criteria: ACMG Guidelines, 2015. Collection method: clinical testing. Allele origin: germline. Observed: 4 variant alleles.
Comment: BS1, BS2, BP4, BP7

PreventionGenetics, part of Exact Sciences
Classification: Benign for SUN1-related condition. Last evaluated: 2019-02-20. Review status: no assertion criteria provided. Collection method: clinical testing. Allele origin: germline. Not counted in ClinVar's aggregate classification.
Comment: This variant is classified as benign based on ACMG/AMP sequence variant interpretation guidelines (Richards et al. 2015 PMID: 25741868, with internal and published modifications).

NM_001130965.3(SUN1):c.78-4C>T

Gene: SUN1 (Sad1 and UNC84 domain containing 1; plus strand). Cytogenetic location: 7p22.3.
Variant type: single nucleotide variant.
Coding change: c.78-4C>T on transcript NM_001130965.3 (MANE Select); 4 bases into the intron before coding-DNA position 78, C replaced by T.
Molecular consequence: intron variant.
Genome position (GRCh38, 1-based): chr7:838,794, C>T. VCF-style: chr7-838794-C-T. GRCh37 (hg19) VCF-style: chr7-878431-C-T.
Other names: p.?; c.78-4C>T (NM_001367703.1, NM_001171946.2, NM_001367634.1 and 34 more transcripts); c.297-4C>T (NM_001367651.1); c.-380-4C>T (NM_001367635.1); c.78-3152C>T (NM_001367695.1); c.-73-4C>T (NM_001367666.1, NM_001367655.1, NM_001367691.1 and 24 more transcripts); c.-684-4C>T (NM_001367658.1); c.-301-3152C>T (NM_001367639.1); and 1 more.
Identifiers: ClinVar variation 461669 (VCV000461669.15), dbSNP rs145390365, ClinGen allele CA4111385.